The following is an entry in ClinVar:

ClinVar aggregate classification (germline): Conflicting classifications of pathogenicity. Review status: criteria provided, conflicting classifications (1 of 4 stars). 2 submissions from 2 submitters: Pathogenic (1); Uncertain significance (1). Last evaluated 2022-12-05.

Conditions:
RYR1-related disorder. Also called: RYR1-related disorders; RYR1-related condition. Identifiers: MedGen CN239331.
Malignant hyperthermia, susceptibility to, 1 (MHS1). Also called: Malignant hyperthermia suceptibility 1; RYR1-Related Malignant Hyperthermia Susceptibility; Anesthesia related hyperthermia; Malignant hyperpyrexia; Fulminating hyperpyrexia; Pharmacogenic myopathy. Identifiers: Orphanet 423, MedGen C2930980, MONDO:0007783, OMIM 145600.

Submissions (2):

All of Us Research Program, National Institutes of Health
Classification: Uncertain significance for Malignant hyperthermia, susceptibility to, 1. Last evaluated: 2022-12-05. Review status: criteria provided, single submitter. Criteria: ACMG Guidelines, 2015. Collection method: clinical testing. Allele origin: germline. Inheritance: Autosomal dominant inheritance. Observed: 1 variant allele, 1 heterozygote.
Comment: This pathogenicity assessment is for autosomal dominant malignant hyperthermia susceptibility phenotype. This frameshift variant is predicted to result in an absent RYR1 protein product. Loss of RYR1 function due to haploinsufficiency is associated with congenital myopathy, but it is not an established disease mechanism for autosomal dominant malignant hyperthermia susceptibility. Therefore, this variant is classified as a Variant of Uncertain Significance for malignant hyperthermia susceptibility.

This study involves interpretation of variants in research participants for the purpose of population health screening. Participant phenotype was not available at the time of variant classification. Additional details can be found in publication PMID: 35346344, PMCID: PMC8962531

Labcorp Genetics (formerly Invitae), Labcorp
Classification: Pathogenic for RYR1-related disorder. Last evaluated: 2019-03-04. Review status: criteria provided, single submitter. Criteria: Invitae Variant Classification Sherloc (09022015). Collection method: clinical testing. Allele origin: germline.
Comment: For these reasons, this variant has been classified as Pathogenic. Loss-of-function variants in RYR1 are known to be pathogenic (PMID: 20583297, 20839240, 23919265, 28818389). This variant has not been reported in the literature in individuals with RYR1-related conditions. This variant is not present in population databases (ExAC no frequency). This sequence change creates a premature translational stop signal (p.Cys1781Leufs*77) in the RYR1 gene. It is expected to result in an absent or disrupted protein product.

Literature cited by the submitters: PubMed 20583297 (cited by Labcorp Genetics (formerly Invitae), Labcorp); PubMed 20839240 (cited by Labcorp Genetics (formerly Invitae), Labcorp); PubMed 23919265 (cited by Labcorp Genetics (formerly Invitae), Labcorp); PubMed 28818389 (cited by Labcorp Genetics (formerly Invitae), Labcorp).

NM_000540.3(RYR1):c.5340dup (p.Cys1781fs)

Gene: RYR1 (ryanodine receptor 1; plus strand). Cytogenetic location: 19q13.2.
Variant type: Duplication.
Coding change: c.5340dup on transcript NM_000540.3 (MANE Select); coding-DNA position 5340, one base duplicated (C; older notation c.5340dupC).
Protein change: p.Cys1781fs; shifts the reading frame from cysteine 1781.
Molecular consequence: frameshift variant.
Genome position (GRCh38, 1-based): chr19:38,485,995, C duplicated; the last of 6 consecutive C bases (chr19:38,485,990-38,485,995); duplicating any one gives the same sequence. VCF-style (leftmost placement, unchanged base first): chr19-38485989-G-GC. GRCh37 (hg19) VCF-style: chr19-38976629-G-GC.
Other names: c.5340dup, p.Cys1781fs (NM_001042723.2); short protein forms C1781fs.
Identifiers: ClinVar variation 859461 (VCV000859461.8), dbSNP rs1969271215, ClinGen allele CA633066093.